The following is an entry in ClinVar:

ClinVar aggregate classification (germline): Likely benign (0 of 4 stars; one submission).

Conditions:
FAAH2-related disorder. Also called: FAAH2-related condition.

gnomAD v4.1: 90 of 1,209,656 alleles (0.0074%); highest among the groups gnomAD compares: Admixed American, 0.2%; no homozygotes.

Submission:

PreventionGenetics, part of Exact Sciences
Classification: Likely benign for FAAH2-related condition. Last evaluated: 2020-01-22. Review status: no assertion criteria provided. Collection method: clinical testing. Allele origin: germline.
Comment: This variant is classified as likely benign based on ACMG/AMP sequence variant interpretation guidelines (Richards et al. 2015 PMID: 25741868, with internal and published modifications).

NM_174912.4(FAAH2):c.585C>T (p.Asn195=)

Gene: FAAH2 (fatty acid amide hydrolase 2; plus strand). Cytogenetic location: Xp11.21.
Variant type: single nucleotide variant.
Coding change: c.585C>T on transcript NM_174912.4 (MANE Select); coding-DNA position 585, C replaced by T.
Protein change: p.Asn195=; no amino-acid change (asparagine 195 retained).
Molecular consequence: synonymous variant. On other transcripts: non-coding transcript variant (2), intron variant (1).
Genome position (GRCh38, 1-based): chrX:57,331,770, C>T. VCF-style: chrX-57331770-C-T. GRCh37 (hg19) VCF-style: chrX-57358203-C-T.
Other names: c.585C>T, p.Asn195= (NM_001353840.1); c.413-9501C>T (NM_001353841.1).
Identifiers: ClinVar variation 3051223 (VCV003051223.2), dbSNP rs186994377, ClinGen allele CA10430656.